The following is an entry in ClinVar:

ClinVar aggregate classification (germline): Uncertain significance. Review status: criteria provided, single submitter (1 of 4 stars). 2 submissions from 2 submitters: Uncertain significance (1). 1 of the submissions does not count toward it. Last evaluated 2025-08-02.

Conditions:
SDK2-related disorder. Also called: SDK2-related condition.

Allele frequency attached by ClinVar (database versions not stated): ESP Exome Variant Server 0.00062; 1000 Genomes Project 30x 0.00094; 1000 Genomes Project 0.00100; TOPMed 0.00102; gnomAD 0.00143; gnomAD exomes 0.00194; ExAC 0.00196.
gnomAD v4.1: 2,904 of 1,554,402 alleles (0.19%); highest among the groups gnomAD compares: Non-Finnish European, 0.21%; 4 homozygotes.

Submissions (2):

Ambry Genetics
Classification: Uncertain significance. Last evaluated: 2025-08-02. Review status: criteria provided, single submitter. Criteria: Ambry Variant Classification Scheme 2023. Collection method: clinical testing. Allele origin: germline.

PreventionGenetics, part of Exact Sciences
Classification: Likely benign for SDK2-related condition. Last evaluated: 2022-02-03. Review status: no assertion criteria provided. Collection method: clinical testing. Allele origin: germline. Not counted in ClinVar's aggregate classification.
Comment: This variant is classified as likely benign based on ACMG/AMP sequence variant interpretation guidelines (Richards et al. 2015 PMID: 25741868, with internal and published modifications).

NM_001144952.2(SDK2):c.2804A>G (p.Tyr935Cys)

Gene: SDK2 (sidekick cell adhesion molecule 2; minus strand). Cytogenetic location: 17q25.1.
Variant type: single nucleotide variant.
Coding change: c.2804A>G on transcript NM_001144952.2 (MANE Select); coding-DNA position 2804, A replaced by G.
Protein change: p.Tyr935Cys; replaces tyrosine 935 with cysteine.
Molecular consequence: missense variant.
Genome position (GRCh38, 1-based): chr17:73,401,187, T>C on the plus strand (A>G on the coding strand, the complement: SDK2 is on the minus strand). VCF-style: chr17-73401187-T-C. GRCh37 (hg19) VCF-style: chr17-71397326-T-C.
Other names: short protein forms Y935C.
Identifiers: ClinVar variation 3033248 (VCV003033248.3), dbSNP rs137921116, ClinGen allele CA8743341.